The following is an entry in ClinVar:

ClinVar aggregate classification (germline): Benign/Likely benign. Review status: criteria provided, multiple submitters, no conflicts (2 of 4 stars). 24 submissions from 17 submitters: Benign (17); Likely benign (2). 5 of the submissions do not count toward it. Last evaluated 2026-02-04.

Conditions:
Cardiovascular phenotype. Identifiers: MedGen CN230736.
Autosomal recessive limb-girdle muscular dystrophy type 2J (LGMDR10). Also called: Limb-girdle muscular dystrophy, type 2J; MUSCULAR DYSTROPHY, LIMB-GIRDLE, AUTOSOMAL RECESSIVE 10. Identifiers: Orphanet 140922, MedGen C1837342, MONDO:0012127, OMIM 608807.
Dilated cardiomyopathy 1G (CMD1G). Identifiers: Orphanet 154, MedGen C1858763, MONDO:0011400, OMIM 604145.
Myopathy, myofibrillar, 9, with early respiratory failure (MFM9). Also called: Hereditary myopathy with early respiratory failure; EDSTROM MYOPATHY; MYOPATHY, PROXIMAL, WITH EARLY RESPIRATORY MUSCLE INVOLVEMENT; Myopathy, distal, with early respiratory failure, autosomal dominant. Identifiers: Orphanet 178464, Orphanet 34521, MedGen C1863599, MONDO:0011362, OMIM 603689.
Early-onset myopathy with fatal cardiomyopathy (CMYO5). Also called: Salih Myopathy; CONGENITAL MYOPATHY 5 WITH CARDIOMYOPATHY. Identifiers: Orphanet 289377, MedGen C2673677, MONDO:0012714, OMIM 611705. Disease mechanism: loss of function.
Tibial muscular dystrophy (TMD). Also called: UDD MYOPATHY; Udd Distal Myopathy – Tibial Muscular Dystrophy; Tibial muscular dystrophy, tardive. Identifiers: Orphanet 609, MedGen C1838244, MONDO:0010870, OMIM 600334.

Allele frequency attached by ClinVar (database versions not stated): 1000 Genomes Project 0.05092; 1000 Genomes Project 30x 0.05309; gnomAD exomes 0.06454; ExAC 0.06654; TOPMed 0.07444; gnomAD 0.07565 and 0.07828; ESP Exome Variant Server 0.08400.
gnomAD v4.1: 128,733 of 1,613,868 alleles (8%); highest among the groups gnomAD compares: Non-Finnish European, 9%; 5,714 homozygotes.

Submissions (26):

Labcorp Genetics (formerly Invitae), Labcorp
Classification: Benign for Dilated cardiomyopathy 1G; Autosomal recessive limb-girdle muscular dystrophy type 2J. Last evaluated: 2026-02-04. Review status: criteria provided, single submitter. Criteria: Invitae Variant Classification Sherloc (09022015). Collection method: clinical testing. Allele origin: germline.

Molecular Diagnostic Laboratory for Inherited Cardiovascular Disease, Montreal Heart Institute
Classification: Benign. Last evaluated: 2025-04-09. Review status: criteria provided, single submitter. Criteria: ACMG Guidelines, 2015. Collection method: clinical testing. Allele origin: germline. Affected: no.

Blueprint Genetics
Classification: Benign. Last evaluated: 2024-11-26. Review status: criteria provided, single submitter. Criteria: ACMG Guidelines, 2015. Collection method: clinical testing. Allele origin: germline.

Genome-Nilou Lab
Classification: Benign for Autosomal recessive limb-girdle muscular dystrophy type 2J. Last evaluated: 2021-09-10. Review status: criteria provided, single submitter. Criteria: ACMG Guidelines, 2015. Collection method: clinical testing. Allele origin: germline. Affected: no.

Genome-Nilou Lab
Classification: Benign for Myopathy, myofibrillar, 9, with early respiratory failure. Last evaluated: 2021-09-10. Review status: criteria provided, single submitter. Criteria: ACMG Guidelines, 2015. Collection method: clinical testing. Allele origin: germline. Affected: no.

Genome-Nilou Lab
Classification: Benign for Early-onset myopathy with fatal cardiomyopathy. Last evaluated: 2021-09-10. Review status: criteria provided, single submitter. Criteria: ACMG Guidelines, 2015. Collection method: clinical testing. Allele origin: germline. Affected: no.

Genome-Nilou Lab
Classification: Benign for Tibial muscular dystrophy. Last evaluated: 2021-09-10. Review status: criteria provided, single submitter. Criteria: ACMG Guidelines, 2015. Collection method: clinical testing. Allele origin: germline. Affected: no.

Women's Health and Genetics/Laboratory Corporation of America, LabCorp
Classification: Benign. Last evaluated: 2019-08-09. Review status: criteria provided, single submitter. Criteria: LabCorp Variant Classification Summary - May 2015. Collection method: clinical testing. Allele origin: germline.

Ambry Genetics
Classification: Benign for Cardiovascular phenotype. Last evaluated: 2019-02-07. Review status: criteria provided, single submitter. Criteria: Ambry Autosomal Dominant and X-Linked criteria (3/2017). Collection method: clinical testing. Allele origin: germline. Observed: 1 variant allele.

Illumina Laboratory Services, Illumina
Classification: Likely benign for Dilated cardiomyopathy 1G. Last evaluated: 2018-01-12. Review status: criteria provided, single submitter. Criteria: ICSL Variant Classification Criteria 13 December 2019. Collection method: clinical testing. Allele origin: germline.
Comment: This variant was observed in the ICSL laboratory as part of a predisposition screen in an ostensibly healthy population. It had not been previously curated by ICSL or reported in the Human Gene Mutation Database (HGMD: prior to June 1st, 2018), and was therefore a candidate for classification through an automated scoring system. Utilizing variant allele frequency, disease prevalence and penetrance estimates, and inheritance mode, an automated score was calculated to assess if this variant is too frequent to cause the disease. Based on the score and internal cut-off values, a variant classified as likely benign is not then subjected to further curation. The score for this variant resulted in a classification of likely benign for this disease.

Illumina Laboratory Services, Illumina
Classification: Benign for Early-onset myopathy with fatal cardiomyopathy. Last evaluated: 2018-01-12. Review status: criteria provided, single submitter. Criteria: ICSL Variant Classification Criteria 13 December 2019. Collection method: clinical testing. Allele origin: germline.
Comment: This variant was observed in the ICSL laboratory as part of a predisposition screen in an ostensibly healthy population. It had not been previously curated by ICSL or reported in the Human Gene Mutation Database (HGMD: prior to June 1st, 2018), and was therefore a candidate for classification through an automated scoring system. Utilizing variant allele frequency, disease prevalence and penetrance estimates, and inheritance mode, an automated score was calculated to assess if this variant is too frequent to cause the disease. Based on the score and internal cut-off values, a variant classified as benign is not then subjected to further curation. The score for this variant resulted in a classification of benign for this disease.

Illumina Laboratory Services, Illumina
Classification: Benign for Tibial muscular dystrophy. Last evaluated: 2018-01-12. Review status: criteria provided, single submitter. Criteria: ICSL Variant Classification Criteria 13 December 2019. Collection method: clinical testing. Allele origin: germline.
Comment: the same text as in the submission from Illumina Laboratory Services, Illumina above.

Illumina Laboratory Services, Illumina
Classification: Benign for Autosomal recessive limb-girdle muscular dystrophy type 2J. Last evaluated: 2018-01-12. Review status: criteria provided, single submitter. Criteria: ICSL Variant Classification Criteria 13 December 2019. Collection method: clinical testing. Allele origin: germline.
Comment: the same text as in the submission from Illumina Laboratory Services, Illumina above.

Illumina Laboratory Services, Illumina
Classification: Benign for Myopathy, myofibrillar, 9, with early respiratory failure. Last evaluated: 2018-01-12. Review status: criteria provided, single submitter. Criteria: ICSL Variant Classification Criteria 13 December 2019. Collection method: clinical testing. Allele origin: germline.
Comment: the same text as in the submission from Illumina Laboratory Services, Illumina above.

Mayo Clinic Laboratories, Mayo Clinic
Classification: Benign. Last evaluated: 2017-10-02. Review status: criteria provided, single submitter. Criteria: ACMG Guidelines, 2015. Collection method: clinical testing. Allele origin: germline. Observed: 405 variant alleles.

GeneDx
Classification: Benign. Last evaluated: 2012-11-19. Review status: criteria provided, single submitter. Criteria: GeneDx Variant Classification (06012015). Collection method: clinical testing. Allele origin: germline. Affected: yes.
Comment: This variant is considered likely benign or benign based on one or more of the following criteria: it is a conservative change, it occurs at a poorly conserved position in the protein, it is predicted to be benign by multiple in silico algorithms, and/or has population frequency not consistent with disease.

Laboratory for Molecular Medicine, Mass General Brigham Personalized Medicine
Classification: Benign. Last evaluated: 2011-09-30. Review status: criteria provided, single submitter. Criteria: LMM Criteria. Collection method: clinical testing. Allele origin: germline. Observed: 303 variant alleles.

Breakthrough Genomics
Classification: Likely benign. Review status: criteria provided, single submitter. Criteria: ACMG Guidelines, 2015. Collection method: not provided. Allele origin: germline. Inheritance: Autosomal recessive inheritance. Affected: yes.

PreventionGenetics, part of Exact Sciences
Classification: Benign. Review status: criteria provided, single submitter. Criteria: ACMG Guidelines, 2015. Collection method: clinical testing. Allele origin: germline.

Clinical Genetics DNA and cytogenetics Diagnostics Lab, Erasmus MC, Erasmus Medical Center
Classification: Benign. Review status: no assertion criteria provided. Collection method: clinical testing. Allele origin: germline. Affected: yes. Study: VKGL Data-share Consensus. Not counted in ClinVar's aggregate classification.

Clinical Genetics, Academic Medical Center
Classification: Benign. Review status: no assertion criteria provided. Collection method: clinical testing. Allele origin: germline. Affected: yes. Study: VKGL Data-share Consensus. Not counted in ClinVar's aggregate classification.

Dr. Peter K. Rogan Lab, Western University
No classification provided (evidence only). Condition: Malignant lymphoma, large B-cell, diffuse. Review status: no classification provided. Collection method: in vitro. Allele origin: not applicable. Functional consequence: skipped exon, retained intron. Not counted in ClinVar's aggregate classification.

Dr. Peter K. Rogan Lab, Western University
No classification provided (evidence only). Condition: Malignant lymphoma, large B-cell, diffuse. Review status: no classification provided. Collection method: in vitro. Allele origin: not applicable. Functional consequence: skipped exon, retained intron. Not counted in ClinVar's aggregate classification.

Genetic Services Laboratory, University of Chicago
Classification: Likely benign for AllHighlyPenetrant. Review status: no assertion criteria provided. Collection method: clinical testing. Allele origin: germline. Not counted in ClinVar's aggregate classification.
Comment: Likely benign based on allele frequency in 1000 Genomes Project or ESP global frequency and its presence in a patient with a rare or unrelated disease phenotype. NOT Sanger confirmed.

Genome Diagnostics Laboratory, University Medical Center Utrecht
Classification: Benign. Review status: no assertion criteria provided. Collection method: clinical testing. Allele origin: germline. Affected: yes. Study: VKGL Data-share Consensus. Not counted in ClinVar's aggregate classification.

Joint Genome Diagnostic Labs from Nijmegen and Maastricht, Radboudumc and MUMC+
Classification: Benign. Review status: no assertion criteria provided. Collection method: clinical testing. Allele origin: germline. Affected: yes. Study: VKGL Data-share Consensus. Not counted in ClinVar's aggregate classification.

NM_001267550.2(TTN):c.106275G>C (p.Gly35425=)

Genes: TTN (titin; minus strand), TTN-AS1 (TTN antisense RNA 1; plus strand). Cytogenetic location: 2q31.2.
Variant type: single nucleotide variant.
Coding change: c.106275G>C on transcript NM_001267550.2 (MANE Select); coding-DNA position 106275, G replaced by C.
Protein change: p.Gly35425=; no amino-acid change (glycine 35425 retained).
Molecular consequence: synonymous variant.
Genome position (GRCh38, 1-based): chr2:178,530,340, C>G on the plus strand (G>C on the coding strand, the complement: TTN is on the minus strand). VCF-style: chr2-178530340-C-G. GRCh37 (hg19) VCF-style: chr2-179395067-C-G.
Other names: p.G32857G:GGG>GGC; p.Gly32857=; c.101352G>C, p.Gly33784= (NM_001256850.1); c.98571G>C, p.Gly32857= (NM_133378.4); c.79080G>C, p.Gly26360= (NM_003319.4); c.79455G>C, p.Gly26485= (NM_133432.3); c.79656G>C, p.Gly26552= (NM_133437.4).
Identifiers: ClinVar variation 47704 (VCV000047704.38), dbSNP rs56207956, ClinGen allele CA284370.